The following is an entry in ClinVar:

NM_001197104.2(KMT2A):c.4537A>C (p.Asn1513His)

Gene: KMT2A (lysine methyltransferase 2A; plus strand). Cytogenetic location: 11q23.3.
Variant type: single nucleotide variant.
Coding change: c.4537A>C on transcript NM_001197104.2 (MANE Select); coding-DNA position 4537, A replaced by C.
Protein change: p.Asn1513His; replaces asparagine 1513 with histidine.
Molecular consequence: missense variant.
Genome position (GRCh38, 1-based): chr11:118,489,849, A>C. VCF-style: chr11-118489849-A-C. GRCh37 (hg19) VCF-style: chr11-118360564-A-C.
Other names: c.4636A>C, p.Asn1546His (NM_001412597.1); c.4537A>C, p.Asn1513His (NM_005933.4); short protein forms N1513H, N1546H.
Identifiers: ClinVar variation 3634321 (VCV003634321.2).

ClinVar aggregate classification (germline): Uncertain significance (1 of 4 stars; one submission).

gnomAD v4.1: 2 of 1,614,192 alleles (0.00012%); highest among the groups gnomAD compares: Non-Finnish European, 0.00017%; no homozygotes.

Submission:

Labcorp Genetics (formerly Invitae), Labcorp
Classification: Uncertain significance. Last evaluated: 2024-03-20. Review status: criteria provided, single submitter. Criteria: Invitae Variant Classification Sherloc (09022015). Collection method: clinical testing. Allele origin: germline.
Comment: This sequence change replaces asparagine, which is neutral and polar, with histidine, which is basic and polar, at codon 1513 of the KMT2A protein (p.Asn1513His). This variant is not present in population databases (gnomAD no frequency). This variant has not been reported in the literature in individuals affected with KMT2A-related conditions. Advanced modeling of protein sequence and biophysical properties (such as structural, functional, and spatial information, amino acid conservation, physicochemical variation, residue mobility, and thermodynamic stability) has been performed at Invitae for this missense variant, however the output from this modeling did not meet the statistical confidence thresholds required to predict the impact of this variant on KMT2A protein function. In summary, the available evidence is currently insufficient to determine the role of this variant in disease. Therefore, it has been classified as a Variant of Uncertain Significance.